The following is an entry in ClinVar:

ClinVar aggregate classification (germline): Uncertain significance. Review status: criteria provided, multiple submitters, no conflicts (2 of 4 stars). 2 submissions from 2 submitters: Uncertain significance (2). Last evaluated 2025-11-04.

Conditions:
Familial melanoma. Also called: Hereditary melanoma; Hereditary cutaneous melanoma. Identifiers: Orphanet 618, MedGen C1512419, MONDO:0018961.
Hereditary cancer-predisposing syndrome. Also called: Hereditary Cancer Syndrome; Tumor predisposition; Hereditary neoplastic syndrome; Neoplastic Syndromes, Hereditary. Identifiers: Orphanet 140162, MedGen C0027672, MeSH D009386, MONDO:0015356.

Submissions (2):

Ambry Genetics
Classification: Uncertain significance for Hereditary cancer-predisposing syndrome. Last evaluated: 2025-11-04. Review status: criteria provided, single submitter. Criteria: Ambry Variant Classification Scheme 2023. Collection method: clinical testing. Allele origin: germline.
Comment: The p.V148L variant (also known as c.442G>T), located in coding exon 3 of the CDK4 gene, results from a G to T substitution at nucleotide position 442. The valine at codon 148 is replaced by leucine, an amino acid with highly similar properties. This amino acid position is well conserved in available vertebrate species. In addition, the in silico prediction for this alteration is inconclusive. Based on the available evidence, the clinical significance of this variant remains unclear.

Labcorp Genetics (formerly Invitae), Labcorp
Classification: Uncertain significance for Familial melanoma. Last evaluated: 2025-03-04. Review status: criteria provided, single submitter. Criteria: Invitae Variant Classification Sherloc (09022015). Collection method: clinical testing. Allele origin: germline.
Comment: This sequence change replaces valine, which is neutral and non-polar, with leucine, which is neutral and non-polar, at codon 148 of the CDK4 protein (p.Val148Leu). This variant is not present in population databases (gnomAD no frequency). This variant has not been reported in the literature in individuals affected with CDK4-related conditions. ClinVar contains an entry for this variant (Variation ID: 647538). Invitae Evidence Modeling of protein sequence and biophysical properties (such as structural, functional, and spatial information, amino acid conservation, physicochemical variation, residue mobility, and thermodynamic stability) indicates that this missense variant is not expected to disrupt CDK4 protein function with a negative predictive value of 95%. In summary, the available evidence is currently insufficient to determine the role of this variant in disease. Therefore, it has been classified as a Variant of Uncertain Significance.

NM_000075.4(CDK4):c.442G>T (p.Val148Leu)

Gene: CDK4 (cyclin dependent kinase 4; minus strand). Cytogenetic location: 12q14.1.
Variant type: single nucleotide variant.
Coding change: c.442G>T on transcript NM_000075.4 (MANE Select); coding-DNA position 442, G replaced by T.
Protein change: p.Val148Leu; replaces valine 148 with leucine.
Molecular consequence: missense variant.
Genome position (GRCh38, 1-based): chr12:57,751,003, C>A on the plus strand (G>T on the coding strand, the complement: CDK4 is on the minus strand). VCF-style: chr12-57751003-C-A. GRCh37 (hg19) VCF-style: chr12-58144786-C-A.
Other names: short protein forms V148L.
Identifiers: ClinVar variation 647538 (VCV000647538.9), dbSNP rs1595110489, ClinGen allele CA385546480.